The following is an entry in ClinVar:

ClinVar aggregate classification (germline): Uncertain significance (1 of 4 stars; one submission).

Conditions:
Joubert syndrome 21 (JBTS21). Identifiers: MedGen C3810212, MONDO:0014288, OMIM 615636.

Allele frequency attached by ClinVar (database versions not stated): gnomAD exomes below 0.00001 and 0.00001; ExAC 0.00001.
gnomAD v4.1: 19 of 1,608,044 alleles (0.0012%); highest among the groups gnomAD compares: Non-Finnish European, 0.0016%; no homozygotes.

Submission:

Labcorp Genetics (formerly Invitae), Labcorp
Classification: Uncertain significance for Joubert syndrome 21. Last evaluated: 2022-05-27. Review status: criteria provided, single submitter. Criteria: Invitae Variant Classification Sherloc (09022015). Collection method: clinical testing. Allele origin: germline.
Comment: This sequence change replaces serine, which is neutral and polar, with threonine, which is neutral and polar, at codon 303 of the CSPP1 protein (p.Ser303Thr). This variant is present in population databases (rs761539830, gnomAD 0.0009%). This variant has not been reported in the literature in individuals affected with CSPP1-related conditions. Algorithms developed to predict the effect of missense changes on protein structure and function are either unavailable or do not agree on the potential impact of this missense change (SIFT: "Tolerated"; PolyPhen-2: "Possibly Damaging"; Align-GVGD: "Class C0"). In summary, the available evidence is currently insufficient to determine the role of this variant in disease. Therefore, it has been classified as a Variant of Uncertain Significance.

NM_001382391.1(CSPP1):c.881G>C (p.Ser294Thr)

Gene: CSPP1 (centrosome and spindle pole associated protein 1; plus strand). Cytogenetic location: 8q13.1.
Variant type: single nucleotide variant.
Coding change: c.881G>C on transcript NM_001382391.1 (MANE Select); coding-DNA position 881, G replaced by C.
Protein change: p.Ser294Thr; replaces serine 294 with threonine.
Molecular consequence: missense variant.
Genome position (GRCh38, 1-based): chr8:67,095,690, G>C. VCF-style: chr8-67095690-G-C. GRCh37 (hg19) VCF-style: chr8-68007925-G-C.
Other names: c.26G>C, p.Ser9Thr (NM_001291339.2); c.800G>C, p.Ser267Thr (NM_001363131.2, NM_001363133.2); c.881G>C, p.Ser294Thr (NM_001363132.2); c.989G>C, p.Ser330Thr (NM_001364869.1); c.908G>C, p.Ser303Thr (NM_001364870.1, NM_024790.7); short protein forms S294T, S267T, S303T, S330T, S9T.
Identifiers: ClinVar variation 1430232 (VCV001430232.3), dbSNP rs761539830, ClinGen allele CA4770375.